The following is an entry in ClinVar:

NC_012920.1(MT-ATP6):m.8573G>A

Gene: MT-ATP6 (mitochondrially encoded ATP synthase 6; plus strand).
Variant type: single nucleotide variant.
Genome position: chrM-8573-G-A.
Identifiers: ClinVar variation 692908 (VCV000692908.1), dbSNP rs1603221592, ClinGen allele CA414796767.

ClinVar aggregate classification (germline): Benign (1 of 4 stars; one submission).

Conditions:
Leigh syndrome (NULS). Also called: Leigh's necrotizing encephalopathy; Leigh's disease; Leigh Syndrome (mtDNA deletion); Leigh Disease; Subacute necrotizing encephalopathy; Necrotizing encephalopathy infantile subacute of Leigh. Identifiers: Orphanet 506, MedGen C2931891, MONDO:0009723, OMIM 256000.

Submission:

Wong Mito Lab, Molecular and Human Genetics, Baylor College of Medicine
Classification: Benign for Leigh syndrome. Last evaluated: 2019-10-17. Review status: criteria provided, single submitter. Criteria: Modified ACMG Guidelines (Unpublished). Collection method: clinical testing. Allele origin: germline.
Comment: The NC_012920.1:m.8573G>A (YP_003024031.1:p.Gly16Asp) variant in MTATP6 gene is interpretated to be a Benign variant based on the modified ACMG guidelines (unpublished). This variant meets the following evidence codes: BS1, BS2